The following is an entry in ClinVar:

NM_001037333.3(CYFIP2):c.1968A>C (p.Glu656Asp)

Gene: CYFIP2 (cytoplasmic FMR1 interacting protein 2; plus strand). Cytogenetic location: 5q33.3.
Variant type: single nucleotide variant.
Coding change: c.1968A>C on transcript NM_001037333.3 (MANE Select); coding-DNA position 1968, A replaced by C.
Protein change: p.Glu656Asp; replaces glutamic acid 656 with aspartic acid.
Molecular consequence: missense variant.
Genome position (GRCh38, 1-based): chr5:157,325,624, A>C. VCF-style: chr5-157325624-A-C. GRCh37 (hg19) VCF-style: chr5-156752632-A-C.
Other names: c.1890A>C, p.Glu630Asp (NM_001291721.2); c.2043A>C, p.Glu681Asp (NM_001291722.2); c.1968A>C, p.Glu656Asp (NM_014376.4); short protein forms E681D, E630D, E656D.
Identifiers: ClinVar variation 1412558 (VCV001412558.6), dbSNP rs1331047842, ClinGen allele CA361970370.

ClinVar aggregate classification (germline): Uncertain significance (1 of 4 stars; one submission).

Allele frequency attached by ClinVar (database versions not stated): gnomAD exomes below 0.00001.

Submission:

Labcorp Genetics (formerly Invitae), Labcorp
Classification: Uncertain significance. Last evaluated: 2022-08-09. Review status: criteria provided, single submitter. Criteria: Invitae Variant Classification Sherloc (09022015). Collection method: clinical testing. Allele origin: germline.
Comment: In summary, the available evidence is currently insufficient to determine the role of this variant in disease. Therefore, it has been classified as a Variant of Uncertain Significance. Algorithms developed to predict the effect of missense changes on protein structure and function are either unavailable or do not agree on the potential impact of this missense change (SIFT: "Deleterious"; PolyPhen-2: "Not Available"; Align-GVGD: "Class C0"). ClinVar contains an entry for this variant (Variation ID: 1412558). This variant has not been reported in the literature in individuals affected with CYFIP2-related conditions. This variant is present in population databases (no rsID available, gnomAD 0.0009%). This sequence change replaces glutamic acid, which is acidic and polar, with aspartic acid, which is acidic and polar, at codon 656 of the CYFIP2 protein (p.Glu656Asp).